The following is an entry in ClinVar:

ClinVar aggregate classification (germline): Uncertain significance (1 of 4 stars; one submission).

Allele frequency attached by ClinVar (database versions not stated): gnomAD 0.00001; TOPMed 0.00001.
gnomAD v4.1: 31 of 1,614,110 alleles (0.0019%); highest among the groups gnomAD compares: Middle Eastern, 0.016%; no homozygotes.

Submission:

Labcorp Genetics (formerly Invitae), Labcorp
Classification: Uncertain significance. Last evaluated: 2023-10-16. Review status: criteria provided, single submitter. Criteria: Invitae Variant Classification Sherloc (09022015). Collection method: clinical testing. Allele origin: germline.
Comment: This sequence change replaces isoleucine, which is neutral and non-polar, with methionine, which is neutral and non-polar, at codon 117 of the KIAA0753 protein (p.Ile117Met). This variant is present in population databases (rs752517059, gnomAD 0.004%). This variant has not been reported in the literature in individuals affected with KIAA0753-related conditions. ClinVar contains an entry for this variant (Variation ID: 1513392). Algorithms developed to predict the effect of missense changes on protein structure and function output the following: SIFT: "Not Available"; PolyPhen-2: "Benign"; Align-GVGD: "Not Available". The methionine amino acid residue is found in multiple mammalian species, which suggests that this missense change does not adversely affect protein function. In summary, the available evidence is currently insufficient to determine the role of this variant in disease. Therefore, it has been classified as a Variant of Uncertain Significance.

NM_014804.3(KIAA0753):c.351A>G (p.Ile117Met)

Gene: KIAA0753 (KIAA0753; minus strand). Cytogenetic location: 17p13.1.
Variant type: single nucleotide variant.
Coding change: c.351A>G on transcript NM_014804.3 (MANE Select); coding-DNA position 351, A replaced by G.
Protein change: p.Ile117Met; replaces isoleucine 117 with methionine.
Molecular consequence: missense variant. On other transcripts: 5 prime UTR variant (1), non-coding transcript variant (3).
Genome position (GRCh38, 1-based): chr17:6,628,484, T>C on the plus strand (A>G on the coding strand, the complement: KIAA0753 is on the minus strand). VCF-style: chr17-6628484-T-C. GRCh37 (hg19) VCF-style: chr17-6531804-T-C.
Other names: c.-884A>G (NM_001351225.2); short protein forms I117M.
Identifiers: ClinVar variation 1513392 (VCV001513392.5), dbSNP rs752517059, ClinGen allele CA8330779.